The following is an entry in ClinVar:

ClinVar aggregate classification (germline): Uncertain significance. Review status: criteria provided, single submitter (1 of 4 stars). 2 submissions from 2 submitters: Uncertain significance (1). 1 of the submissions does not count toward it. Last evaluated 2024-07-15.

Conditions:
CUX2-related disorder. Also called: CUX2-related condition.

Submissions (2):

GeneDx
Classification: Uncertain significance. Last evaluated: 2024-07-15. Review status: criteria provided, single submitter. Criteria: GeneDx Variant Classification Process June 2021. Collection method: clinical testing. Allele origin: germline. Affected: yes.
Comment: Not observed at significant frequency in large population cohorts (gnomAD); In silico analysis indicates that this missense variant does not alter protein structure/function; Has not been previously published as pathogenic or benign to our knowledge

PreventionGenetics, part of Exact Sciences
Classification: Uncertain significance for CUX2-related condition. Last evaluated: 2024-09-03. Review status: no assertion criteria provided. Collection method: clinical testing. Allele origin: germline. Not counted in ClinVar's aggregate classification.
Comment: The CUX2 c.2035A>G variant is predicted to result in the amino acid substitution p.Ile679Val. To our knowledge, this variant has not been reported in the literature or in a large population database, indicating this variant is rare. At this time, the clinical significance of this variant is uncertain due to the absence of conclusive functional and genetic evidence.

NM_015267.4(CUX2):c.2035A>G (p.Ile679Val)

Gene: CUX2 (cut like homeobox 2; plus strand). Cytogenetic location: 12q24.12.
Variant type: single nucleotide variant.
Coding change: c.2035A>G on transcript NM_015267.4 (MANE Select); coding-DNA position 2035, A replaced by G.
Protein change: p.Ile679Val; replaces isoleucine 679 with valine.
Molecular consequence: missense variant.
Genome position (GRCh38, 1-based): chr12:111,320,044, A>G. VCF-style: chr12-111320044-A-G. GRCh37 (hg19) VCF-style: chr12-111757848-A-G.
Other names: c.1849A>G, p.Ile617Val (NM_001370598.1); short protein forms I617V, I679V.
Identifiers: ClinVar variation 3346181 (VCV003346181.2).